The following is an entry in ClinVar:

NM_002582.4(PARN):c.415G>A (p.Glu139Lys)

Gene: PARN (poly(A)-specific ribonuclease; minus strand). Cytogenetic location: 16p13.12.
Variant type: single nucleotide variant.
Coding change: c.415G>A on transcript NM_002582.4 (MANE Select); coding-DNA position 415, G replaced by A.
Protein change: p.Glu139Lys; replaces glutamic acid 139 with lysine.
Molecular consequence: missense variant.
Genome position (GRCh38, 1-based): chr16:14,610,783, C>T on the plus strand (G>A on the coding strand, the complement: PARN is on the minus strand). VCF-style: chr16-14610783-C-T. GRCh37 (hg19) VCF-style: chr16-14704640-C-T.
Other names: c.232G>A, p.Glu78Lys (NM_001134477.3); c.277G>A, p.Glu93Lys (NM_001242992.2); short protein forms E78K, E139K, E93K.
Identifiers: ClinVar variation 4788146 (VCV004788146.1).
Genomic context (GRCh38, chr16:14,610,783, plus strand): 5'-GAGCTCCTGCACCATTCGCCTGTGAACGTTTTTCATCATACTGCTCTCTTAACTGTCTTT[C>T]TTCTTCCTGATTTAAATATGGAATTCCTAAACACGATTTTAAAAAGAATGCATTAGCAGA-3'
Protein context (NP_002573.1, residues 129-149): NGIPYLNQEE[Glu139Lys]RQLREQYDEK

ClinVar aggregate classification (germline): Uncertain significance (1 of 4 stars; one submission).

Conditions:
Dyskeratosis congenita, autosomal recessive 6 (DKCB6). Identifiers: MedGen C4225356, MONDO:0014600, OMIM 616353.
Pulmonary fibrosis and/or bone marrow failure, Telomere-related, 4. Also called: PULMONARY FIBROSIS AND/OR BONE MARROW FAILURE SYNDROME, TELOMERE-RELATED, 4. Identifiers: Orphanet 2032, MedGen C4225347, MONDO:0014612, OMIM 616371.

gnomAD v4.1: 1 of 1,610,854 alleles (0.000062%); highest among the groups gnomAD compares: Admixed American, 0.0017%; no homozygotes.

Submission:

Labcorp Genetics (formerly Invitae), Labcorp
Classification: Uncertain significance for Dyskeratosis congenita, autosomal recessive 6; Pulmonary fibrosis and/or bone marrow failure, Telomere-related, 4. Last evaluated: 2025-08-30. Review status: criteria provided, single submitter. Criteria: Invitae Variant Classification Sherloc (09022015). Collection method: clinical testing. Allele origin: germline.
Comment: This sequence change replaces glutamic acid, which is acidic and polar, with lysine, which is basic and polar, at codon 139 of the PARN protein (p.Glu139Lys). This variant is not present in population databases (gnomAD no frequency). This variant has not been reported in the literature in individuals affected with PARN-related conditions. Invitae Evidence Modeling of protein sequence and biophysical properties (such as structural, functional, and spatial information, amino acid conservation, physicochemical variation, residue mobility, and thermodynamic stability) indicates that this missense variant is not expected to disrupt PARN protein function with a negative predictive value of 80%. In summary, the available evidence is currently insufficient to determine the role of this variant in disease. Therefore, it has been classified as a Variant of Uncertain Significance.